The following is an entry in ClinVar:

ClinVar aggregate classification (germline): Likely benign. Review status: criteria provided, single submitter (1 of 4 stars). 2 submissions from 2 submitters: Likely benign (1). 1 of the submissions does not count toward it. Last evaluated 2024-06-10.

Conditions:
JAG2-related disorder. Also called: JAG2-related condition.

Allele frequency attached by ClinVar (database versions not stated): ExAC 0.00011; 1000 Genomes Project 0.00020; gnomAD 0.00030; 1000 Genomes Project 30x 0.00031; TOPMed 0.00042; ESP Exome Variant Server 0.00047.
gnomAD v4.1: 113 of 1,609,472 alleles (0.007%); highest among the groups gnomAD compares: African/African-American, 0.091%; no homozygotes.

Submissions (2):

Blueprint Genetics
Classification: Likely benign. Last evaluated: 2024-06-10. Review status: criteria provided, single submitter. Criteria: ACMG Guidelines, 2015. Collection method: clinical testing. Allele origin: germline.

PreventionGenetics, part of Exact Sciences
Classification: Likely benign for JAG2-related condition. Last evaluated: 2019-04-23. Review status: no assertion criteria provided. Collection method: clinical testing. Allele origin: germline. Not counted in ClinVar's aggregate classification.
Comment: This variant is classified as likely benign based on ACMG/AMP sequence variant interpretation guidelines (Richards et al. 2015 PMID: 25741868, with internal and published modifications).

NM_002226.5(JAG2):c.3423G>A (p.Pro1141=)

Gene: JAG2 (jagged canonical Notch ligand 2; minus strand). Cytogenetic location: 14q32.33.
Variant type: single nucleotide variant.
Coding change: c.3423G>A on transcript NM_002226.5 (MANE Select); coding-DNA position 3423, G replaced by A.
Protein change: p.Pro1141=; no amino-acid change (proline 1141 retained).
Molecular consequence: synonymous variant.
Genome position (GRCh38, 1-based): chr14:105,142,989, C>T on the plus strand (G>A on the coding strand, the complement: JAG2 is on the minus strand). VCF-style: chr14-105142989-C-T. GRCh37 (hg19) VCF-style: chr14-105609326-C-T.
Other names: c.3309G>A, p.Pro1103= (NM_145159.3).
Identifiers: ClinVar variation 3040823 (VCV003040823.3), dbSNP rs138779386, ClinGen allele CA7385207.